The following is an entry in ClinVar:

NM_001130144.3(LTBP3):c.62C>A (p.Ala21Glu)

Gene: LTBP3 (latent transforming growth factor beta binding protein 3; minus strand). Cytogenetic location: 11q13.1.
Variant type: single nucleotide variant.
Coding change: c.62C>A on transcript NM_001130144.3 (MANE Select); coding-DNA position 62, C replaced by A.
Protein change: p.Ala21Glu; replaces alanine 21 with glutamic acid.
Molecular consequence: missense variant. On other transcripts: 5 prime UTR variant (1).
Genome position (GRCh38, 1-based): chr11:65,557,898, G>T on the plus strand (C>A on the coding strand, the complement: LTBP3 is on the minus strand). VCF-style: chr11-65557898-G-T. GRCh37 (hg19) VCF-style: chr11-65325369-G-T.
Other names: c.-286C>A (NM_001164266.1); c.62C>A, p.Ala21Glu (NM_021070.4); short protein forms A21E.
Identifiers: ClinVar variation 2855876 (VCV002855876.3), dbSNP rs2496187696, ClinGen allele CA381278713.

ClinVar aggregate classification (germline): Uncertain significance (1 of 4 stars; one submission).

Conditions:
Brachyolmia-amelogenesis imperfecta syndrome. Also called: PLATYSPONDYLY WITH AMELOGENESIS IMPERFECTA; Tooth agenesis, selective, 6; Dental anomalies and short stature. Identifiers: Orphanet 2899, MedGen C1832594, MONDO:0011018, OMIM 601216. Disease mechanism: loss of function.

Submission:

Labcorp Genetics (formerly Invitae), Labcorp
Classification: Uncertain significance for Brachyolmia-amelogenesis imperfecta syndrome. Last evaluated: 2023-04-13. Review status: criteria provided, single submitter. Criteria: Invitae Variant Classification Sherloc (09022015). Collection method: clinical testing. Allele origin: germline.
Comment: In summary, the available evidence is currently insufficient to determine the role of this variant in disease. Therefore, it has been classified as a Variant of Uncertain Significance. Experimental studies and prediction algorithms are not available or were not evaluated, and the functional significance of this variant is currently unknown. This variant has not been reported in the literature in individuals affected with LTBP3-related conditions. This variant is not present in population databases (gnomAD no frequency). This sequence change replaces alanine, which is neutral and non-polar, with glutamic acid, which is acidic and polar, at codon 21 of the LTBP3 protein (p.Ala21Glu).